The following is an entry in ClinVar:

ClinVar aggregate classification (germline): Uncertain significance (1 of 4 stars; one submission).

Conditions:
Hereditary sensory and autonomic neuropathy type 6. Also called: HSAN VI; Neuropathy, hereditary sensory and autonomic, type VI. Identifiers: Orphanet 314381, MedGen C3539003, MONDO:0013839, OMIM 614653.
Epidermolysis bullosa simplex 3, localized or generalized intermediate, with BP230 deficiency (EBS3). Also called: Epidermolysis bullosa simplex, autosomal recessive 2; Epidermolysis bullosa simplex due to BP230 deficiency. Identifiers: Orphanet 412181, MedGen C3809470, MONDO:0014180, OMIM 615425.

Allele frequency attached by ClinVar (database versions not stated): gnomAD exomes 0.00001; TOPMed 0.00001; ExAC 0.00002.

Submission:

Labcorp Genetics (formerly Invitae), Labcorp
Classification: Uncertain significance for Epidermolysis bullosa simplex 3, localized or generalized intermediate, with BP230 deficiency; Hereditary sensory and autonomic neuropathy type 6. Last evaluated: 2023-01-16. Review status: criteria provided, single submitter. Criteria: Invitae Variant Classification Sherloc (09022015). Collection method: clinical testing. Allele origin: germline.
Comment: The DST gene has multiple clinically relevant transcripts. This variant occurs in alternate transcript NM_015548.4, and corresponds to NM_001723.5:c.*87765G>A in the primary transcript. This sequence change falls in intron 48 of the DST gene. It does not directly change the encoded amino acid sequence of the DST protein. The frequency data for this variant in the population databases is considered unreliable, as metrics indicate poor data quality at this position in the gnomAD database. This variant has not been reported in the literature in individuals affected with DST-related conditions. Experimental studies and prediction algorithms are not available or were not evaluated, and the effect of this variant on mRNA splicing is currently unknown. In summary, the available evidence is currently insufficient to determine the role of this variant in disease. Therefore, it has been classified as a Variant of Uncertain Significance.

NM_001374736.1(DST):c.17681-18G>A

Gene: DST (dystonin; minus strand). Cytogenetic location: 6p12.1.
Variant type: single nucleotide variant.
Coding change: c.17681-18G>A on transcript NM_001374736.1 (MANE Select); 18 bases into the intron before coding-DNA position 17681, G replaced by A.
Molecular consequence: intron variant.
Genome position (GRCh38, 1-based): chr6:56,527,752, C>T on the plus strand (G>A on the coding strand, the complement: DST is on the minus strand). VCF-style: chr6-56527752-C-T. GRCh37 (hg19) VCF-style: chr6-56392550-C-T.
Other names: c.11324-18G>A (NM_001144769.5); c.17681-18G>A (NM_001374722.1); c.17708-18G>A (NM_001374734.1); c.10910-18G>A (NM_001144770.2); c.10463-18G>A (NM_001374730.1); c.10790-18G>A (NM_001386100.1, NM_183380.4); c.16721-18G>A (NM_001374729.1); c.9812-18G>A (NM_015548.5).
Identifiers: ClinVar variation 2927413 (VCV002927413.3), dbSNP rs764345385, ClinGen allele CA3867383.
Genomic context (GRCh38, chr6:56,527,752, plus strand): 5'-TTAATGGCTTCCAATTTATCTTGAATTATTAAAACTTCATCACCTAAAATTTCAAAGTCA[C>T]GTTATTTCTTATGAAGGAAAAAAAAGGCAGGGAGAGGGTTTCTTCAGATATTATGGAACA-3'